The following is an entry in ClinVar:

ClinVar aggregate classification (germline): Pathogenic (1 of 4 stars; one submission).

Submission:

Labcorp Genetics (formerly Invitae), Labcorp
Classification: Pathogenic. Last evaluated: 2024-03-24. Review status: criteria provided, single submitter. Criteria: Invitae Variant Classification Sherloc (09022015). Collection method: clinical testing. Allele origin: germline.
Comment: This sequence change creates a premature translational stop signal (p.Glu772Asnfs*59) in the COL9A1 gene. It is expected to result in an absent or disrupted protein product. Loss-of-function variants in COL9A1 are known to be pathogenic (PMID: 16909383, 21421862). This variant is not present in population databases (gnomAD no frequency). This variant has not been reported in the literature in individuals affected with COL9A1-related conditions. For these reasons, this variant has been classified as Pathogenic.

Literature cited by the submitters: PubMed 16909383; PubMed 21421862.

NM_001851.6(COL9A1):c.2313del (p.Glu772fs)

Gene: COL9A1 (collagen type IX alpha 1 chain; minus strand). Cytogenetic location: 6q13.
Variant type: Deletion.
Coding change: c.2313del on transcript NM_001851.6 (MANE Select); coding-DNA position 2313, one base deleted (A; older notation c.2313delA).
Protein change: p.Glu772fs; shifts the reading frame from glutamic acid 772.
Molecular consequence: frameshift variant. On other transcripts: non-coding transcript variant (1).
Genome position (GRCh38, 1-based): chr6:70,234,540, T deleted on the plus strand (A on the coding strand, the reverse complement: COL9A1 is on the minus strand); the first of 2 consecutive T bases (chr6:70,234,540-70,234,541); deleting either gives the same sequence. VCF-style (leftmost placement, unchanged base first): chr6-70234539-CT-C. GRCh37 (hg19) VCF-style: chr6-70944242-CT-C.
Other names: c.1614del, p.Glu539fs (NM_001377289.1); c.1437del, p.Glu480fs (NM_001377290.1); c.1584del, p.Glu529fs (NM_078485.4); short protein forms E480fs, E529fs, E539fs, E772fs.
Identifiers: ClinVar variation 3647480 (VCV003647480.2).